The following is an entry in ClinVar:

NM_000094.4(COL7A1):c.7378A>C (p.Lys2460Gln)

Gene: COL7A1 (collagen type VII alpha 1 chain; minus strand). Cytogenetic location: 3p21.31.
Variant type: single nucleotide variant.
Coding change: c.7378A>C on transcript NM_000094.4 (MANE Select); coding-DNA position 7378, A replaced by C.
Protein change: p.Lys2460Gln; replaces lysine 2460 with glutamine.
Molecular consequence: missense variant.
Genome position (GRCh38, 1-based): chr3:48,570,467, T>G on the plus strand (A>C on the coding strand, the complement: COL7A1 is on the minus strand). VCF-style: chr3-48570467-T-G. GRCh37 (hg19) VCF-style: chr3-48607900-T-G.
Other names: short protein forms K2460Q.
Identifiers: ClinVar variation 1968193 (VCV001968193.2), dbSNP rs542347929, ClinGen allele CA73974273.

ClinVar aggregate classification (germline): Uncertain significance (1 of 4 stars; one submission).

Allele frequency attached by ClinVar (database versions not stated): gnomAD exomes below 0.00001; gnomAD 0.00001; 1000 Genomes Project 30x 0.00016; 1000 Genomes Project 0.00020.
gnomAD v4.1: 2 of 1,613,994 alleles (0.00012%); highest among the groups gnomAD compares: Admixed American, 0.0033%; no homozygotes.

Submission:

Labcorp Genetics (formerly Invitae), Labcorp
Classification: Uncertain significance. Last evaluated: 2022-10-24. Review status: criteria provided, single submitter. Criteria: Invitae Variant Classification Sherloc (09022015). Collection method: clinical testing. Allele origin: germline.
Comment: This sequence change replaces lysine, which is basic and polar, with glutamine, which is neutral and polar, at codon 2460 of the COL7A1 protein (p.Lys2460Gln). This variant is not present in population databases (gnomAD no frequency). This variant has not been reported in the literature in individuals affected with COL7A1-related conditions. Algorithms developed to predict the effect of missense changes on protein structure and function (SIFT, PolyPhen-2, Align-GVGD) all suggest that this variant is likely to be disruptive. In summary, the available evidence is currently insufficient to determine the role of this variant in disease. Therefore, it has been classified as a Variant of Uncertain Significance.